The following is an entry in ClinVar:

NM_003073.5(SMARCB1):c.649A>G (p.Met217Val)

Gene: SMARCB1 (SWI/SNF related BAF chromatin remodeling complex subunit B1; plus strand). Cytogenetic location: 22q11.23.
Variant type: single nucleotide variant.
Coding change: c.649A>G on transcript NM_003073.5 (MANE Select); coding-DNA position 649, A replaced by G.
Protein change: p.Met217Val; replaces methionine 217 with valine.
Molecular consequence: missense variant.
Genome position (GRCh38, 1-based): chr22:23,816,790, A>G. VCF-style: chr22-23816790-A-G. GRCh37 (hg19) VCF-style: chr22-24158977-A-G.
Other names: c.622A>G, p.Met208Val (NM_001007468.3); c.676A>G, p.Met226Val (NM_001317946.2); c.703A>G, p.Met235Val (NM_001362877.2); short protein forms M208V, M217V, M226V, M235V.
Identifiers: ClinVar variation 3446075 (VCV003446075.1).

ClinVar aggregate classification (germline): Uncertain significance (1 of 4 stars; one submission).

Conditions:
Hereditary cancer-predisposing syndrome. Also called: Tumor predisposition; Neoplastic Syndromes, Hereditary; Hereditary neoplastic syndrome; Hereditary Cancer Syndrome. Identifiers: Orphanet 140162, MedGen C0027672, MeSH D009386, MONDO:0015356.

Submission:

Ambry Genetics
Classification: Uncertain significance for Hereditary cancer-predisposing syndrome. Last evaluated: 2024-07-27. Review status: criteria provided, single submitter. Criteria: Ambry Variant Classification Scheme 2023. Collection method: clinical testing. Allele origin: germline.
Comment: The p.M217V variant (also known as c.649A>G), located in coding exon 6 of the SMARCB1 gene, results from an A to G substitution at nucleotide position 649. The methionine at codon 217 is replaced by valine, an amino acid with highly similar properties. This amino acid position is conserved. In addition, this alteration is predicted to be deleterious by in silico analysis. Based on the available evidence, the clinical significance of this variant remains unclear.